The following is an entry in ClinVar:

NM_005996.4(TBX3):c.1429_1430delinsAA (p.Pro477Asn)

Gene: TBX3 (T-box transcription factor 3; minus strand). Cytogenetic location: 12q24.21.
Variant type: Indel.
Coding change: c.1429_1430delinsAA on transcript NM_005996.4 (MANE Select); coding-DNA positions 1429 to 1430, CC replaced by AA.
Protein change: p.Pro477Asn; replaces proline 477 with asparagine.
Molecular consequence: missense variant.
Genome position (GRCh38, 1-based): chr12:114,674,445-114,674,446, GG replaced by TT on the plus strand (CC replaced by AA on the coding strand, the reverse complement: TBX3 is on the minus strand). VCF-style: chr12-114674445-GG-TT. GRCh37 (hg19) VCF-style: chr12-115112250-GG-TT.
Other names: c.1489_1490delinsAA, p.Pro497Asn (NM_016569.4); short protein forms P497N, P477N.
Identifiers: ClinVar variation 2699991 (VCV002699991.3), dbSNP rs2499787009, ClinGen allele CA2697551541.

ClinVar aggregate classification (germline): Uncertain significance (1 of 4 stars; one submission).

Conditions:
Ulnar-mammary syndrome (UMS). Also called: PALLISTER ULNAR-MAMMARY SYNDROME; SCHINZEL SYNDROME; Ulnar-mammary syndrome of Pallister. Identifiers: Orphanet 3138, MedGen C1866994, MONDO:0008411, OMIM 181450.

Submission:

Labcorp Genetics (formerly Invitae), Labcorp
Classification: Uncertain significance for Ulnar-mammary syndrome. Last evaluated: 2023-12-01. Review status: criteria provided, single submitter. Criteria: Invitae Variant Classification Sherloc (09022015). Collection method: clinical testing. Allele origin: germline.
Comment: This sequence change replaces proline, which is neutral and non-polar, with asparagine, which is neutral and polar, at codon 477 of the TBX3 protein (p.Pro477Asn). Information on the frequency of this variant in the gnomAD database is not available, as this variant may be reported differently in the database. This variant has not been reported in the literature in individuals affected with TBX3-related conditions. An algorithm developed to predict the effect of missense changes on protein structure and function (PolyPhen-2) suggests that this variant is likely to be tolerated. In summary, the available evidence is currently insufficient to determine the role of this variant in disease. Therefore, it has been classified as a Variant of Uncertain Significance.